The following is an entry in ClinVar:

NM_001134407.3(GRIN2A):c.3544G>T (p.Asp1182Tyr)

Gene: GRIN2A (glutamate ionotropic receptor NMDA type subunit 2A; minus strand). Cytogenetic location: 16p13.2.
Variant type: single nucleotide variant.
Coding change: c.3544G>T on transcript NM_001134407.3 (MANE Select); coding-DNA position 3544, G replaced by T.
Protein change: p.Asp1182Tyr; replaces aspartic acid 1182 with tyrosine.
Molecular consequence: missense variant.
Genome position (GRCh38, 1-based): chr16:9,764,000, C>A on the plus strand (G>T on the coding strand, the complement: GRIN2A is on the minus strand). VCF-style: chr16-9764000-C-A. GRCh37 (hg19) VCF-style: chr16-9857857-C-A.
Other names: c.3544G>T, p.Asp1182Tyr (NM_000833.5, NM_001134408.2); short protein forms D1182Y.
Identifiers: ClinVar variation 211117 (VCV000211117.20), dbSNP rs375160358, ClinGen allele CA208106.

ClinVar aggregate classification (germline): Conflicting classifications of pathogenicity. Review status: criteria provided, conflicting classifications (1 of 4 stars). 5 submissions from 5 submitters: Uncertain significance (3); Likely benign (2). Last evaluated 2024-11-26.

Conditions:
Landau-Kleffner syndrome (FESD). Also called: APHASIA, ACQUIRED, WITH EPILEPSY; EPILEPSY, FOCAL, WITH SPEECH DISORDER AND WITH OR WITHOUT MENTAL RETARDATION. Identifiers: Orphanet 1945, Orphanet 725, Orphanet 98818, MedGen C0282512, MONDO:0009509, OMIM 245570.

Allele frequency attached by ClinVar (database versions not stated): TOPMed 0.00002; ESP Exome Variant Server 0.00008.
gnomAD v4.1: 36 of 1,613,974 alleles (0.0022%); highest among the groups gnomAD compares: Non-Finnish European, 0.003%; no homozygotes.

Submissions (5):

Labcorp Genetics (formerly Invitae), Labcorp
Classification: Likely benign for Landau-Kleffner syndrome. Last evaluated: 2024-11-26. Review status: criteria provided, single submitter. Criteria: Invitae Variant Classification Sherloc (09022015). Collection method: clinical testing. Allele origin: germline.

Blueprint Genetics
Classification: Likely benign. Last evaluated: 2021-11-16. Review status: criteria provided, single submitter. Criteria: ACMG Guidelines, 2015. Collection method: clinical testing. Allele origin: germline.

GeneDx
Classification: Uncertain significance. Last evaluated: 2019-12-06. Review status: criteria provided, single submitter. Criteria: GeneDx Variant Classification Process June 2021. Collection method: clinical testing. Allele origin: germline. Affected: yes.
Comment: Not observed at a significant frequency in large population cohorts (Lek et al., 2016); In silico analysis, which includes protein predictors and evolutionary conservation, supports that this variant does not alter protein structure/function; Has not been previously published as pathogenic or benign to our knowledge

Fulgent Genetics
Classification: Uncertain significance for Landau-Kleffner syndrome. Last evaluated: 2018-10-31. Review status: criteria provided, single submitter. Criteria: ACMG Guidelines, 2015. Collection method: clinical testing. Allele origin: unknown.

Genetic Services Laboratory, University of Chicago
Classification: Uncertain significance. Last evaluated: 2015-06-01. Review status: criteria provided, single submitter. Criteria: ACMG Guidelines, 2015. Collection method: clinical testing. Allele origin: germline.